The following is an entry in ClinVar:

ClinVar aggregate classification (germline): Uncertain significance (0 of 4 stars; one submission).

Conditions:
Meniere disease. Also called: Ménière's disease. Identifiers: MedGen C0025281, MONDO:0007972, OMIM 156000.

gnomAD v4.1: 46 of 1,609,914 alleles (0.0029%); highest among the groups gnomAD compares: Admixed American, 0.0033%; no homozygotes.

Submission:

Meniere Disease Neuroscience Research Program, Faculty of Medicine and Health, Kolling Institute, The University of Sydney
Classification: Uncertain significance for Meniere disease. Last evaluated: 2025-08-11. Review status: no assertion criteria provided. Collection method: clinical testing. Allele origin: germline. Affected: yes.
Comment: The NC_000022.11:g.37769343C>T is a missense variant in the TRIOBP gene that has been found in two unrelated, definite Menière's Disease individuals. This variant has an amino acid change at p.R2273C. In silico analysis using pathogenicity prediction algorithms such as the CADD score (26.7) has deemed the varaint as "Uncertain Significance"

Literature cited by the submitters: PubMed 35802133.

NM_001039141.3(TRIOBP):c.6817C>T (p.Arg2273Cys)

Gene: TRIOBP (TRIO and F-actin binding protein; plus strand). Cytogenetic location: 22q13.1.
Variant type: single nucleotide variant.
Coding change: c.6817C>T on transcript NM_001039141.3 (MANE Select); coding-DNA position 6817, C replaced by T.
Protein change: p.Arg2273Cys; replaces arginine 2273 with cysteine.
Molecular consequence: missense variant.
Genome position (GRCh38, 1-based): chr22:37,769,343, C>T. VCF-style: chr22-37769343-C-T. GRCh37 (hg19) VCF-style: chr22-38165350-C-T.
Other names: c.1678C>T, p.Arg560Cys (NM_007032.5); short protein forms R2273C, R560C.
Identifiers: ClinVar variation 4075367 (VCV004075367.1).